The following is an entry in ClinVar:

NM_024496.4(IRF2BPL):c.1518G>C (p.Met506Ile)

Gene: IRF2BPL (interferon regulatory factor 2 binding protein like; minus strand). Cytogenetic location: 14q24.3.
Variant type: single nucleotide variant.
Coding change: c.1518G>C on transcript NM_024496.4 (MANE Select); coding-DNA position 1518, G replaced by C.
Protein change: p.Met506Ile; replaces methionine 506 with isoleucine.
Molecular consequence: missense variant.
Genome position (GRCh38, 1-based): chr14:77,026,275, C>G on the plus strand (G>C on the coding strand, the complement: IRF2BPL is on the minus strand). VCF-style: chr14-77026275-C-G. GRCh37 (hg19) VCF-style: chr14-77492618-C-G.
Other names: short protein forms M506I.
Identifiers: ClinVar variation 2499857 (VCV002499857.2), dbSNP rs1008262991, ClinGen allele CA263778042.

ClinVar aggregate classification (germline): Uncertain significance (1 of 4 stars; one submission).

Allele frequency attached by ClinVar (database versions not stated): TOPMed below 0.00001.

Submission:

GeneDx
Classification: Uncertain significance. Last evaluated: 2023-08-19. Review status: criteria provided, single submitter. Criteria: GeneDx Variant Classification Process June 2021. Collection method: clinical testing. Allele origin: germline.
Comment: Has not been previously published as pathogenic or benign to our knowledge; In silico analysis supports that this missense variant does not alter protein structure/function; Not observed at significant frequency in large population cohorts (gnomAD)